The following is an entry in ClinVar:

NM_021008.4(DEAF1):c.1114G>A (p.Ala372Thr)

Gene: DEAF1 (DEAF1 transcription factor; minus strand). Cytogenetic location: 11p15.5.
Variant type: single nucleotide variant.
Coding change: c.1114G>A on transcript NM_021008.4 (MANE Select); coding-DNA position 1114, G replaced by A.
Protein change: p.Ala372Thr; replaces alanine 372 with threonine.
Molecular consequence: missense variant.
Genome position (GRCh38, 1-based): chr11:679,700, C>T on the plus strand (G>A on the coding strand, the complement: DEAF1 is on the minus strand). VCF-style: chr11-679700-C-T. GRCh37 (hg19) VCF-style: chr11-679700-C-T.
Other names: c.847G>A, p.Ala283Thr (NM_001293634.2); c.388G>A, p.Ala130Thr (NM_001367390.1); short protein forms A372T, A283T, A130T.
Identifiers: ClinVar variation 788069 (VCV000788069.13), dbSNP rs371467345, ClinGen allele CA5786326.

ClinVar aggregate classification (germline): Benign/Likely benign. Review status: criteria provided, multiple submitters, no conflicts (2 of 4 stars). 3 submissions from 3 submitters: Benign (1); Likely benign (1). 1 of the submissions does not count toward it. Last evaluated 2025-10-07.

Conditions:
DEAF1-related disorder.

Allele frequency attached by ClinVar (database versions not stated): gnomAD 0.00001 and 0.00013; TOPMed 0.00003; gnomAD exomes 0.00033 and 0.00069; ExAC 0.00066; 1000 Genomes Project 0.00140; 1000 Genomes Project 30x 0.00141.
gnomAD v4.1: 492 of 1,612,466 alleles (0.031%); highest among the groups gnomAD compares: South Asian, 0.51%; 1 homozygote.

Submissions (3):

Labcorp Genetics (formerly Invitae), Labcorp
Classification: Benign. Last evaluated: 2025-10-07. Review status: criteria provided, single submitter. Criteria: Invitae Variant Classification Sherloc (09022015). Collection method: clinical testing. Allele origin: germline.

Blueprint Genetics
Classification: Likely benign. Last evaluated: 2024-10-08. Review status: criteria provided, single submitter. Criteria: ACMG Guidelines, 2015. Collection method: clinical testing. Allele origin: germline.

PreventionGenetics, part of Exact Sciences
Classification: Likely benign for DEAF1-related condition. Last evaluated: 2020-01-08. Review status: no assertion criteria provided. Collection method: clinical testing. Allele origin: germline. Not counted in ClinVar's aggregate classification.
Comment: This variant is classified as likely benign based on ACMG/AMP sequence variant interpretation guidelines (Richards et al. 2015 PMID: 25741868, with internal and published modifications).